The following is an entry in ClinVar:

NC_000005.9:g.(?_64064974)_(64181393_?)dup

Gene: CWC27 (CWC27 spliceosome associated cyclophilin; plus strand). Cytogenetic location: 5q12.3.
Variant type: Duplication.
Identifiers: ClinVar variation 2425428 (VCV002425428.3).

ClinVar aggregate classification (germline): Uncertain significance (1 of 4 stars; one submission).

Submission:

Labcorp Genetics (formerly Invitae), Labcorp
Classification: Uncertain significance. Last evaluated: 2022-08-16. Review status: criteria provided, single submitter. Criteria: Invitae Variant Classification Sherloc (09022015). Collection method: clinical testing. Allele origin: germline.
Comment: This variant results in a copy number gain of the genomic region encompassing exon(s) 1-11 of the CWC27 gene. This region includes the initiator codon of the gene. This copy number gain extends beyond the assayed region for this gene and therefore may encompass additional genes. As the precise location of this event is unknown, it may be in tandem or it may be located elsewhere in the genome. This variant has not been reported in the literature in individuals affected with CWC27-related conditions. In summary, the available evidence is currently insufficient to determine the role of this variant in disease. Therefore, it has been classified as a Variant of Uncertain Significance.